The following is an entry in ClinVar:

NM_000222.3(KIT):c.311G>A (p.Ser104Asn)

Gene: KIT (KIT proto-oncogene, receptor tyrosine kinase; plus strand). Cytogenetic location: 4q12.
Variant type: single nucleotide variant.
Coding change: c.311G>A on transcript NM_000222.3 (MANE Select); coding-DNA position 311, G replaced by A.
Protein change: p.Ser104Asn; replaces serine 104 with asparagine.
Molecular consequence: missense variant.
Genome position (GRCh38, 1-based): chr4:54,695,755, G>A. VCF-style: chr4-54695755-G-A. GRCh37 (hg19) VCF-style: chr4-55561921-G-A.
Other names: c.311G>A, p.Ser104Asn (NM_001093772.2, NM_001385284.1, NM_001385285.1 and 4 more transcripts); short protein forms S104N.
Identifiers: ClinVar variation 3288747 (VCV003288747.1).

ClinVar aggregate classification (germline): Uncertain significance (1 of 4 stars; one submission).

Conditions:
Hereditary cancer-predisposing syndrome. Also called: Tumor predisposition; Hereditary Cancer Syndrome; Hereditary neoplastic syndrome; Neoplastic Syndromes, Hereditary. Identifiers: Orphanet 140162, MedGen C0027672, MeSH D009386, MONDO:0015356.

Submission:

Ambry Genetics
Classification: Uncertain significance for Hereditary cancer-predisposing syndrome. Last evaluated: 2024-03-22. Review status: criteria provided, single submitter. Criteria: Ambry Variant Classification Scheme 2023. Collection method: clinical testing. Allele origin: germline.
Comment: The p.S104N variant (also known as c.311G>A), located in coding exon 2 of the KIT gene, results from a G to A substitution at nucleotide position 311. The serine at codon 104 is replaced by asparagine, an amino acid with highly similar properties. This amino acid position is conserved. In addition, this alteration is predicted to be tolerated by in silico analysis. Based on the available evidence, the clinical significance of this alteration remains unclear.